The following is an entry in ClinVar:

ClinVar aggregate classification (germline): Uncertain significance (1 of 4 stars; one submission).

Conditions:
Inborn genetic diseases. Identifiers: MedGen C0950123, MeSH D030342.

gnomAD v4.1: 1 of 1,604,042 alleles (0.000062%); highest among the groups gnomAD compares: Non-Finnish European, 0.000085%; no homozygotes.

Submission:

Ambry Genetics
Classification: Uncertain significance for Inborn genetic diseases. Last evaluated: 2025-10-16. Review status: criteria provided, single submitter. Criteria: Ambry Variant Classification Scheme 2023. Collection method: clinical testing. Allele origin: germline.
Comment: The p.A809V variant (also known as c.2426C>T), located in coding exon 26 of the RTEL1 gene, results from a C to T substitution at nucleotide position 2426. The alanine at codon 809 is replaced by valine, an amino acid with similar properties. This amino acid position is conserved. In addition, this alteration is predicted to be tolerated by in silico analysis. Based on the available evidence, the clinical significance of this variant remains unclear.

NM_001283009.2(RTEL1):c.2426C>T (p.Ala809Val)

Genes: RTEL1 (regulator of telomere elongation helicase 1; plus strand), RTEL1-TNFRSF6B (RTEL1-TNFRSF6B readthrough (NMD candidate); plus strand). Cytogenetic location: 20q13.33.
Variant type: single nucleotide variant.
Coding change: c.2426C>T on transcript NM_001283009.2 (MANE Select); coding-DNA position 2426, C replaced by T.
Protein change: p.Ala809Val; replaces alanine 809 with valine.
Molecular consequence: missense variant. On other transcripts: non-coding transcript variant (1).
Genome position (GRCh38, 1-based): chr20:63,690,817, C>T. VCF-style: chr20-63690817-C-T. GRCh37 (hg19) VCF-style: chr20-62322170-C-T.
Other names: c.1757C>T, p.Ala586Val (NM_001283010.1); c.2426C>T, p.Ala809Val (NM_016434.4); c.2498C>T, p.Ala833Val (NM_032957.5); short protein forms A586V, A809V, A833V.
Identifiers: ClinVar variation 4629546 (VCV004629546.1).